The following is an entry in ClinVar:

ClinVar aggregate classification (germline): Uncertain significance (1 of 4 stars; one submission).

Conditions:
Glycine encephalopathy. Also called: Nonketotic hyperglycinemia; Non-ketotic hyperglycinemia. Identifiers: Orphanet 407, MedGen C0751748, MONDO:0011612, HP:0008288.

gnomAD v4.1: 3 of 1,610,204 alleles (0.00019%); highest among the groups gnomAD compares: Non-Finnish European, 0.00025%; no homozygotes.

Submission:

Labcorp Genetics (formerly Invitae), Labcorp
Classification: Uncertain significance for Glycine encephalopathy. Last evaluated: 2024-01-25. Review status: criteria provided, single submitter. Criteria: Invitae Variant Classification Sherloc (09022015). Collection method: clinical testing. Allele origin: germline.
Comment: This sequence change replaces lysine, which is basic and polar, with asparagine, which is neutral and polar, at codon 883 of the GLDC protein (p.Lys883Asn). This variant is not present in population databases (gnomAD no frequency). This variant has not been reported in the literature in individuals affected with GLDC-related conditions. Advanced modeling of protein sequence and biophysical properties (such as structural, functional, and spatial information, amino acid conservation, physicochemical variation, residue mobility, and thermodynamic stability) performed at Invitae indicates that this missense variant is expected to disrupt GLDC protein function with a positive predictive value of 80%. In summary, the available evidence is currently insufficient to determine the role of this variant in disease. Therefore, it has been classified as a Variant of Uncertain Significance.

NM_000170.3(GLDC):c.2649G>C (p.Lys883Asn)

Gene: GLDC (glycine decarboxylase; minus strand). Cytogenetic location: 9p24.1.
Variant type: single nucleotide variant.
Coding change: c.2649G>C on transcript NM_000170.3 (MANE Select); coding-DNA position 2649, G replaced by C.
Protein change: p.Lys883Asn; replaces lysine 883 with asparagine.
Molecular consequence: missense variant.
Genome position (GRCh38, 1-based): chr9:6,540,067, C>G on the plus strand (G>C on the coding strand, the complement: GLDC is on the minus strand). VCF-style: chr9-6540067-C-G. GRCh37 (hg19) VCF-style: chr9-6540067-C-G.
Other names: short protein forms K883N.
Identifiers: ClinVar variation 2800282 (VCV002800282.1), dbSNP rs1259807481, ClinGen allele CA372883491.
Genomic context (GRCh38, chr9:6,540,067, plus strand): 5'-CACAGCCAGCATGGGCGGCGGCATGAATGTCAAAAGCCACTTACCATAATCCTGGAGTCT[C>G]TTGGCCACATCCACAGCCTCAATATTTGCAGACTTTTTGAAGGGTCTCGTGTCCAAAATA-3'
Protein context (NP_000161.2, residues 873-893): SANIEAVDVA[Lys883Asn]RLQDYGFHAP